The following is an entry in ClinVar:

ClinVar aggregate classification (germline): Pathogenic/Likely pathogenic. Review status: criteria provided, multiple submitters, no conflicts (2 of 4 stars). 2 submissions from 2 submitters: Pathogenic (1); Likely pathogenic (1). Last evaluated 2025-11-06.

Conditions:
Leber congenital amaurosis (LCA). Also called: Leber's amaurosis. Identifiers: Orphanet 65, MedGen C0339527, MeSH D057130, MONDO:0018998.
CEP290-related ciliopathy. Also called: CEP290 ciliopathy. Identifiers: MedGen CN305601, MONDO:0100451.

Submissions (2):

Myriad Genetics, Inc.
Classification: Pathogenic for CEP290-related ciliopathy. Last evaluated: 2025-11-06. Review status: criteria provided, single submitter. Criteria: Myriad Autosomal Dominant, Autosomal Recessive and X-Linked Classification Criteria (2023). Collection method: clinical testing. Allele origin: unknown.
Comment: NM_025114.3(CEP290):c.4427C>A(S1476*) is expected to be pathogenic in the context of CEP290-related disorders. This variant is predicted to lead to an abnormal or absent protein product due to the creation of a premature termination codon in CEP290, a gene where loss-of-function variants are known to be pathogenic. Please note: this variant was assessed in the context of healthy population screening.

Natera, Inc.
Classification: Likely pathogenic for Leber congenital amaurosis. Last evaluated: 2025-08-29. Review status: criteria provided, single submitter. Criteria: Natera Variant Classification Schema (03/2026). Collection method: clinical testing. Allele origin: germline.
Comment: The c.4427C>A variant in CEP290 is a nonsense variant predicted to introduce a stop codon at amino acid 1476. This variant is expected to result in nonsense mediated decay, truncation, or a dysfunctional protein product. This variant is rare in the general population with a frequency below the threshold expected for the associated phenotype(s). Given the available evidence, this variant is classified as Likely Pathogenic.

NM_025114.4(CEP290):c.4427C>A (p.Ser1476Ter)

Gene: CEP290 (centrosomal protein 290; minus strand). Cytogenetic location: 12q21.32.
Variant type: single nucleotide variant.
Coding change: c.4427C>A on transcript NM_025114.4 (MANE Select); coding-DNA position 4427, C replaced by A.
Protein change: p.Ser1476Ter; replaces serine 1476 with a stop codon.
Molecular consequence: nonsense.
Genome position (GRCh38, 1-based): chr12:88,086,049, G>T on the plus strand (C>A on the coding strand, the complement: CEP290 is on the minus strand). VCF-style: chr12-88086049-G-T. GRCh37 (hg19) VCF-style: chr12-88479826-G-T.
Other names: short protein forms S1476*.
Identifiers: ClinVar variation 4816216 (VCV004816216.2).